The following is an entry in ClinVar:

ClinVar aggregate classification (germline): Pathogenic (1 of 4 stars; one submission).

Conditions:
Familial cancer of breast. Also called: Hereditary breast cancer; BREAST CANCER, FAMILIAL; hereditary breast carcinoma. Identifiers: Orphanet 227535, MedGen C0346153, MONDO:0016419, OMIM 114480. Disease mechanism: loss of function.

Submission:

Myriad Genetics, Inc.
Classification: Pathogenic for Familial cancer of breast. Last evaluated: 2023-06-23. Review status: criteria provided, single submitter. Criteria: Myriad Autosomal Dominant, Autosomal Recessive and X-Linked Classification Criteria (2023). Collection method: clinical testing. Allele origin: unknown.
Comment: This variant is considered pathogenic. This variant creates a frameshift predicted to result in premature protein truncation.

NM_007194.4(CHEK2):c.354del (p.Asp118fs)

Gene: CHEK2 (checkpoint kinase 2; minus strand). Cytogenetic location: 22q12.1.
Variant type: Deletion.
Coding change: c.354del on transcript NM_007194.4 (MANE Select); coding-DNA position 354, one base deleted (C; older notation c.354delC).
Protein change: p.Asp118fs; shifts the reading frame from aspartic acid 118.
Molecular consequence: frameshift variant.
Genome position (GRCh38, 1-based): chr22:28,725,333, G deleted on the plus strand (C on the coding strand, the reverse complement: CHEK2 is on the minus strand). VCF-style (leftmost placement, unchanged base first): chr22-28725332-TG-T. GRCh37 (hg19) VCF-style: chr22-29121320-TG-T.
Other names: c.483delC, p.Asp161Glufs (NM_001005735.3); c.-424delC (NM_001257387.3); c.354delC, p.Asp118Glufs (NM_001349956.3, NM_145862.3); short protein forms D118fs, D161fs.
Identifiers: ClinVar variation 2583253 (VCV002583253.2), dbSNP rs2518060619, ClinGen allele CA2582342806.